The following is an entry in ClinVar:

NM_001458.5(FLNC):c.4363del (p.Ala1455fs)

Gene: FLNC (filamin C; plus strand). Cytogenetic location: 7q32.1.
Variant type: Deletion.
Coding change: c.4363del on transcript NM_001458.5 (MANE Select); coding-DNA position 4363, one base deleted (G; older notation c.4363delG).
Protein change: p.Ala1455fs; shifts the reading frame from alanine 1455.
Molecular consequence: frameshift variant.
Genome position (GRCh38, 1-based): chr7:128,847,771, G deleted; the last of 5 consecutive G bases (chr7:128,847,767-128,847,771); deleting any one gives the same sequence. VCF-style (leftmost placement, unchanged base first): chr7-128847766-TG-T. GRCh37 (hg19) VCF-style: chr7-128487820-TG-T.
Other names: c.4363del, p.Ala1455fs (NM_001127487.2); short protein forms A1455fs.
Identifiers: ClinVar variation 4258274 (VCV004258274.1).
Genomic context (GRCh38, chr7:128,847,766, plus strand): 5'-TCCGCGTGCCAGTGAAGGATGTGGTGGACCCTGGGAAGGTGAAGTGCTCAGGGCCAGGGC[TG>T]GGGGCTGGTGTCAGGGCCCGGGTTCCTCAGACCTTCACAGTGGATTGCAGTCAAGCTGGC-3'

ClinVar aggregate classification (germline): Pathogenic (1 of 4 stars; one submission).

Conditions:
Cardiovascular phenotype. Identifiers: MedGen CN230736.

Submission:

Ambry Genetics
Classification: Pathogenic for Cardiovascular phenotype. Last evaluated: 2025-07-23. Review status: criteria provided, single submitter. Criteria: Ambry Variant Classification Scheme 2023. Collection method: clinical testing. Allele origin: germline.
Comment: The c.4363delG pathogenic mutation, located in coding exon 25 of the FLNC gene, results from a deletion of one nucleotide at nucleotide position 4363, causing a translational frameshift with a predicted alternate stop codon (p.A1455Lfs*61). This variant is considered to be rare based on population cohorts in the Genome Aggregation Database (gnomAD). This alteration is expected to result in loss of function by premature protein truncation or nonsense-mediated mRNA decay. As such, this alteration is interpreted as a disease-causing mutation for FLNC-related dilated cardiomyopathy; however, its clinical significance for FLNC-related hypertrophic/restrictive cardiomyopathy and/or skeletal myopathy is uncertain.